The following is an entry in ClinVar:

ClinVar aggregate classification (germline): Pathogenic. Review status: criteria provided, multiple submitters, no conflicts (2 of 4 stars). 2 submissions from 2 submitters: Pathogenic (2). Last evaluated 2025-09-23.

Conditions:
Breast-ovarian cancer, familial, susceptibility to, 2 (BROVCA2). Also called: BRCA2 Hereditary Breast and Ovarian Cancer. Identifiers: Orphanet 145, MedGen C2675520, MONDO:0012933, OMIM 612555. Disease mechanism: loss of function.
Hereditary cancer-predisposing syndrome. Also called: Neoplastic Syndromes, Hereditary; Tumor predisposition; Hereditary Cancer Syndrome; Hereditary neoplastic syndrome. Identifiers: Orphanet 140162, MedGen C0027672, MeSH D009386, MONDO:0015356.

Submissions (2):

Myriad Genetics, Inc.
Classification: Pathogenic for Breast-ovarian cancer, familial, susceptibility to, 2. Last evaluated: 2025-09-23. Review status: criteria provided, single submitter. Criteria: Myriad Autosomal Dominant, Autosomal Recessive and X-Linked Classification Criteria (2023). Collection method: clinical testing. Allele origin: unknown.
Comment: This variant is considered pathogenic. This variant creates a frameshift predicted to result in premature protein truncation.

Ambry Genetics
Classification: Pathogenic for Hereditary cancer-predisposing syndrome. Last evaluated: 2019-04-16. Review status: criteria provided, single submitter. Criteria: Ambry Variant Classification Scheme 2023. Collection method: clinical testing. Allele origin: germline.
Comment: The c.4844delT pathogenic mutation, located in coding exon 10 of the BRCA2 gene, results from a deletion of one nucleotide at nucleotide position 4844, causing a translational frameshift with a predicted alternate stop codon (p.L1615Pfs*2). This alteration is expected to result in loss of function by premature protein truncation or nonsense-mediated mRNA decay. As such, this alteration is interpreted as a disease-causing mutation.

NM_000059.4(BRCA2):c.4844del (p.Leu1615fs)

Gene: BRCA2 (BRCA2 DNA repair associated; plus strand). Cytogenetic location: 13q13.1.
Variant type: Deletion.
Coding change: c.4844del on transcript NM_000059.4 (MANE Select); coding-DNA position 4844, one base deleted (T; older notation c.4844delT).
Protein change: p.Leu1615fs; shifts the reading frame from leucine 1615.
Molecular consequence: frameshift variant.
Genome position (GRCh38, 1-based): chr13:32,339,199, T deleted. VCF-style (leftmost placement, unchanged base first): chr13-32339198-CT-C. GRCh37 (hg19) VCF-style: chr13-32913335-CT-C.
Other names: c.4844delT, p.Leu1615Profs (NM_001406719.1, NM_001406720.1); short protein forms L1615fs.
Identifiers: ClinVar variation 1743523 (VCV001743523.3), dbSNP rs2548529426, ClinGen allele CA913188604.
Genomic context (GRCh38, chr13:32,339,198, plus strand): 5'-CAGAATTCTCTCAATAATGATAAAAACCTTGTTTCTATTGAGACTGTGGTGCCACCTAAG[CT>C]CTTAAGTGATAATTTATGTAGACAAACTGAAAATCTCAAAACATCAAAAAGTATCTTTTT-3'